The following is an entry in ClinVar:

ClinVar aggregate classification (germline): Benign/Likely benign. Review status: criteria provided, multiple submitters, no conflicts (2 of 4 stars). 28 submissions from 27 submitters: Benign (13); Likely benign (8). 7 of the submissions do not count toward it. Last evaluated 2026-07-01.

Conditions:
Breast and/or ovarian cancer. Identifiers: MedGen CN221562.
Hereditary cancer-predisposing syndrome. Also called: Neoplastic Syndromes, Hereditary; Tumor predisposition; Hereditary neoplastic syndrome; Hereditary Cancer Syndrome. Identifiers: Orphanet 140162, MedGen C0027672, MeSH D009386, MONDO:0015356.
Hereditary diffuse gastric adenocarcinoma (HDGC). Also called: DIFFUSE GASTRIC AND LOBULAR BREAST CANCER SYNDROME. Identifiers: Orphanet 26106, MedGen C1708349, MONDO:0007648, OMIM 137215.
Prostate cancer. Also called: Malignant tumor of prostate. Identifiers: Orphanet 1331, MedGen C0376358, MONDO:0008315, HP:0012125.
Malignant tumor of breast. Also called: Malignant breast neoplasm; Cancer breast. Identifiers: MedGen C0006142, MONDO:0007254. Disease mechanism: loss of function.

Allele frequency attached by ClinVar (database versions not stated): ExAC 0.00154; gnomAD 0.00159 and 0.00167; TOPMed 0.00163; gnomAD exomes 0.00170; 1000 Genomes Project 0.00180; ESP Exome Variant Server 0.00200; 1000 Genomes Project 30x 0.00203.
gnomAD v4.1: 4,180 of 1,613,944 alleles (0.26%); highest among the groups gnomAD compares: South Asian, 0.34%; 9 homozygotes.

Submissions (28):

CeGaT Center for Human Genetics Tuebingen
Classification: Likely benign. Last evaluated: 2026-07-01. Review status: criteria provided, single submitter. Criteria: CeGaT Center For Human Genetics Tuebingen Variant Classification Criteria Version 2. Collection method: clinical testing. Allele origin: germline. Affected: yes. Observed: 24 variant alleles.
Comment: CDH1: BP4, BP7, BS1

Labcorp Genetics (formerly Invitae), Labcorp
Classification: Benign for Hereditary diffuse gastric adenocarcinoma. Last evaluated: 2026-02-04. Review status: criteria provided, single submitter. Criteria: Invitae Variant Classification Sherloc (09022015). Collection method: clinical testing. Allele origin: germline.

Center for Genomic Medicine, Rigshospitalet, Copenhagen University Hospital
Classification: Likely benign. Last evaluated: 2025-03-04. Review status: criteria provided, single submitter. Criteria: ACMG Guidelines, 2015. Collection method: clinical testing. Allele origin: germline.

KCCC/NGS Laboratory, Kuwait Cancer Control Center
Classification: Benign for Hereditary diffuse gastric adenocarcinoma. Last evaluated: 2025-02-01. Review status: criteria provided, single submitter. Criteria: ACMG Guidelines, 2015. Collection method: clinical testing. Allele origin: germline. Affected: no.

ARUP Laboratories, Molecular Genetics and Genomics, ARUP Laboratories
Classification: Benign. Last evaluated: 2024-12-18. Review status: criteria provided, single submitter. Criteria: ARUP Molecular Germline Variant Investigation Process 2024. Collection method: clinical testing. Allele origin: germline.

Blueprint Genetics
Classification: Likely benign. Last evaluated: 2024-11-18. Review status: criteria provided, single submitter. Criteria: ACMG Guidelines, 2015. Collection method: clinical testing. Allele origin: germline.

Myriad Genetics, Inc.
Classification: Benign for Hereditary diffuse gastric adenocarcinoma. Last evaluated: 2024-09-23. Review status: criteria provided, single submitter. Criteria: Myriad Autosomal Dominant, Autosomal Recessive and X-Linked Classification Criteria (2023). Collection method: clinical testing. Allele origin: unknown.
Comment: This variant is considered benign. This variant is a silent/synonymous amino acid change and it is not expected to impact splicing.

KCCC/NGS Laboratory, Kuwait Cancer Control Center
Classification: Benign for Familial prostate cancer. Last evaluated: 2023-07-07. Review status: criteria provided, single submitter. Criteria: ACMG Guidelines, 2015. Collection method: clinical testing. Allele origin: germline. Affected: yes.

European Reference Network on Genetic Tumour Risk Syndromes (ERN-GENTURIS), i3s - Instituto de Investigação e Inovação em Saúde, University of Porto
Classification: Benign for Hereditary diffuse gastric adenocarcinoma. Last evaluated: 2022-08-01. Review status: criteria provided, single submitter. Criteria: Lee et al. (Hum Mutat. 2018). Collection method: clinical testing. Allele origin: germline. Inheritance: Autosomal dominant inheritance. Affected: no. Study: ERN GENTURIS.
Comment: BS1; BS2 (PMID: 30311375)

Institute for Clinical Genetics, University Hospital TU Dresden, University Hospital TU Dresden
Classification: Likely benign. Last evaluated: 2021-11-03. Review status: criteria provided, single submitter. Criteria: ACMG Guidelines, 2015. Collection method: clinical testing. Allele origin: germline.

CHEO Genetics Diagnostic Laboratory, Children's Hospital of Eastern Ontario
Classification: Benign for Breast and/or ovarian cancer. Last evaluated: 2021-07-16. Review status: criteria provided, single submitter. Criteria: ACMG Guidelines, 2015. Collection method: clinical testing. Allele origin: germline.

Genetic Services Laboratory, University of Chicago
Classification: Benign. Last evaluated: 2021-06-17. Review status: criteria provided, single submitter. Criteria: ACMG Guidelines, 2015. Collection method: clinical testing. Allele origin: germline. Affected: no.

Ambry Genetics
Classification: Benign for Hereditary cancer-predisposing syndrome. Last evaluated: 2021-06-16. Review status: criteria provided, single submitter. Criteria: Ambry Variant Classification Scheme 2023. Collection method: clinical testing. Allele origin: germline.

Sema4
Classification: Benign for Hereditary cancer-predisposing syndrome. Last evaluated: 2020-07-28. Review status: criteria provided, single submitter. Criteria: Sema4 Curation Guidelines. Collection method: curation. Allele origin: germline.

Mendelics
Classification: Likely benign for Hereditary diffuse gastric adenocarcinoma. Last evaluated: 2019-05-28. Review status: criteria provided, single submitter. Criteria: Mendelics Assertion Criteria 2017. Collection method: clinical testing. Allele origin: unknown.

Illumina Laboratory Services, Illumina
Classification: Benign for Hereditary diffuse gastric adenocarcinoma. Last evaluated: 2018-01-13. Review status: criteria provided, single submitter. Criteria: ICSL Variant Classification Criteria 13 December 2019. Collection method: clinical testing. Allele origin: germline.
Comment: This variant was observed in the ICSL laboratory as part of a predisposition screen in an ostensibly healthy population. It had not been previously curated by ICSL or reported in the Human Gene Mutation Database (HGMD: prior to June 1st, 2018), and was therefore a candidate for classification through an automated scoring system. Utilizing variant allele frequency, disease prevalence and penetrance estimates, and inheritance mode, an automated score was calculated to assess if this variant is too frequent to cause the disease. Based on the score and internal cut-off values, a variant classified as benign is not then subjected to further curation. The score for this variant resulted in a classification of benign for this disease.

PreventionGenetics, part of Exact Sciences
Classification: Likely benign. Last evaluated: 2016-12-09. Review status: criteria provided, single submitter. Criteria: ACMG Guidelines, 2015. Collection method: clinical testing. Allele origin: germline.

Laboratory for Molecular Medicine, Mass General Brigham Personalized Medicine
Classification: Benign. Last evaluated: 2016-03-29. Review status: criteria provided, single submitter. Criteria: LMM Criteria. Collection method: clinical testing. Allele origin: germline.
Comment: Variant identified in a genome or exome case(s) and assessed due to predicted null impact of the variant or pathogenic assertions in the literature or databases. Disclaimer: This variant has not undergone full assessment. The following are preliminary notes: Frequency

Color Diagnostics, LLC DBA Color Health
Classification: Likely benign for Hereditary cancer-predisposing syndrome. Last evaluated: 2015-04-09. Review status: criteria provided, single submitter. Criteria: ACMG Guidelines, 2015. Collection method: clinical testing. Allele origin: germline.

GeneDx
Classification: Benign. Last evaluated: 2013-10-30. Review status: criteria provided, single submitter. Criteria: GeneDx Variant Classification (06012015). Collection method: clinical testing. Allele origin: germline. Affected: yes.
Comment: This variant is considered likely benign or benign based on one or more of the following criteria: it is a conservative change, it occurs at a poorly conserved position in the protein, it is predicted to be benign by multiple in silico algorithms, and/or has population frequency not consistent with disease.

Breakthrough Genomics
Classification: Likely benign. Review status: criteria provided, single submitter. Criteria: ACMG Guidelines, 2015. Collection method: not provided. Allele origin: germline. Inheritance: Autosomal dominant inheritance. Affected: yes.

True Health Diagnostics
Classification: Likely benign for Hereditary cancer-predisposing syndrome. Last evaluated: 2017-11-16. Review status: no assertion criteria provided. Collection method: clinical testing. Allele origin: germline. Not counted in ClinVar's aggregate classification.

Clinical Genetics, Academic Medical Center
Classification: Likely benign. Review status: no assertion criteria provided. Collection method: clinical testing. Allele origin: germline. Affected: yes. Study: VKGL Data-share Consensus. Not counted in ClinVar's aggregate classification.

Department of Pathology and Laboratory Medicine, Sinai Health System
Classification: Likely benign for Malignant tumor of breast. Review status: no assertion criteria provided. Collection method: clinical testing. Allele origin: unknown. Affected: yes. Study: The Canadian Open Genetics Repository (COGR). Not counted in ClinVar's aggregate classification.
Comment: The CDH1 p.Asp764= variant was identified in 1 of 68 proband chromosomes (frequency: 0.01) from individuals or families with gastric cancer (Oliveira 2002). The variant was also identified in dbSNP (rs61747636) as â€šÃ„Ãºwith uncertain significance, other alleleâ€šÃ„Ã¹ and ClinVar (classified as likely benign by Ambry Genetics, Illumina, Color and 4 other submitters and as benign by Invitae, GeneDx and 1 other submitter). The variant was identified in control databases in 462 of 277,210 chromosomes at a frequency of 0.002, increasing the likelihood this could be a low frequency benign variant (Genome Aggregation Database Feb 27, 2017). The variant was observed in the following populations: African in 14 of 24,024 chromosomes (freq: 0.0006), Other in 13 of 6466 chromosomes (freq: 0.002), Latino in 56 of 34,420 chromosomes (freq: 0.002), European in 286 of 126,706 chromosomes (freq: 0.002), Ashkenazi Jewish in 8 of 10,152 chromosomes (freq: 0.0008), Finnish in 1 of 25,794 chromosomes (freq: 0.00004) and South Asian in 84 of 30,780 chromosomes (freq: 0.003), while it was not observed in the East Asian population. The variant did not have an effect on splicing as demonstrated by RT-PCR of RNA obtained from human lymphoblasts (Walsh 2011). The p.Asp764= variant is not expected to have clinical significance because it does not result in a change of amino acid. The variant occurs at a non-highly conserved nucleotide outside of the splicing consensus sequence and in silico or computational prediction software programs (SpliceSiteFinder, MaxEntScan, NNSPLICE, GeneSplicer) do not predict a difference in splicing. In summary, based on the above information, the clinical significance of this variant cannot be determined with certainty at this time although we would lean towards a more benign role for this variant. This variant is classified as likely benign.

Diagnostic Laboratory, Department of Genetics, University Medical Center Groningen
Classification: Likely benign. Review status: no assertion criteria provided. Collection method: clinical testing. Allele origin: germline. Affected: yes. Study: VKGL Data-share Consensus. Not counted in ClinVar's aggregate classification.

Genome Diagnostics Laboratory, Amsterdam University Medical Center
Classification: Likely benign. Review status: no assertion criteria provided. Collection method: clinical testing. Allele origin: germline. Affected: yes. Study: VKGL Data-share Consensus. Not counted in ClinVar's aggregate classification.

Joint Genome Diagnostic Labs from Nijmegen and Maastricht, Radboudumc and MUMC+
Classification: Likely benign. Review status: no assertion criteria provided. Collection method: clinical testing. Allele origin: germline. Affected: yes. Study: VKGL Data-share Consensus. Not counted in ClinVar's aggregate classification.

Mayo Clinic Laboratories, Mayo Clinic
Classification: Likely benign. Review status: no assertion criteria provided. Collection method: clinical testing. Allele origin: unknown. Not counted in ClinVar's aggregate classification.

Literature cited by the submitters: PubMed 36436516 (cited by European Reference Network on Genetic Tumour Risk Syndromes (ERN-GENTURIS), i3s - Instituto de Investigação e Inovação em Saúde, University of Porto); PubMed 2403327 (cited by European Reference Network on Genetic Tumour Risk Syndromes (ERN-GENTURIS), i3s - Instituto de Investigação e Inovação em Saúde, University of Porto); PubMed 11968083 (cited by Ambry Genetics); PubMed 18788075 (cited by Ambry Genetics); PubMed 22006311 (cited by Ambry Genetics); PubMed 24204729 (cited by Ambry Genetics); PubMed 8075649 (cited by Ambry Genetics).

NM_004360.5(CDH1):c.2292C>T (p.Asp764=)

Gene: CDH1 (cadherin 1; plus strand). Cytogenetic location: 16q22.1.
Variant type: single nucleotide variant.
Coding change: c.2292C>T on transcript NM_004360.5 (MANE Select); coding-DNA position 2292, C replaced by T.
Protein change: p.Asp764=; no amino-acid change (aspartic acid 764 retained).
Molecular consequence: synonymous variant.
Genome position (GRCh38, 1-based): chr16:68,828,301, C>T. VCF-style: chr16-68828301-C-T. GRCh37 (hg19) VCF-style: chr16-68862204-C-T.
Other names: p.D764D:GAC>GAT; c.2109C>T, p.Asp703= (NM_001317184.2); c.744C>T, p.Asp248= (NM_001317185.2); c.327C>T, p.Asp109= (NM_001317186.2).
Identifiers: ClinVar variation 136699 (VCV000136699.93), dbSNP rs61747636, ClinGen allele CA290015.
Genomic context (GRCh38, chr16:68,828,301, plus strand): 5'-AGAGGATGACACCCGGGACAACGTTTATTACTATGATGAAGAAGGAGGCGGAGAAGAGGA[C>T]CAGGTGGGTTTTGAAAACCTTGGTAGCTCAGTGGTGATCTCTTTATTCGGAAGAAGCAAT-3'
Protein context (NP_004351.1, residues 754-774): YYDEEGGGEE[Asp764=]QDFDLSQLHR